The following is an entry in ClinVar:

NM_001370259.2(MEN1):c.273_282del (p.Arg92fs)

Gene: MEN1 (menin 1; minus strand). Cytogenetic location: 11q13.1.
Variant type: Deletion.
Coding change: c.273_282del on transcript NM_001370259.2 (MANE Select); coding-DNA positions 273 to 282, 10 bases deleted (CCGCTTCACC; older notation c.273_282delCCGCTTCACC).
Protein change: p.Arg92fs; shifts the reading frame from arginine 92.
Molecular consequence: frameshift variant. On other transcripts: non-coding transcript variant (4).
Genome position (GRCh38, 1-based): chr11:64,809,828-64,809,837, GGTGAAGCGG deleted on the plus strand (CCGCTTCACC on the coding strand, the reverse complement: MEN1 is on the minus strand); deleting any 10 consecutive bases within chr11:64,809,828-64,809,838 gives the same sequence; the c. name uses the placement nearest the transcript's 3' end. VCF-style (leftmost placement, unchanged base first): chr11-64809827-CGGTGAAGCGG-C. GRCh37 (hg19) VCF-style: chr11-64577299-CGGTGAAGCGG-C.
Other names: c.273_282del, p.Arg92fs (NM_000244.4, NM_001370251.2, NM_001370260.2 and 20 more transcripts); c.273_282del10 (NM_130799.3); short protein forms R92fs.
Identifiers: ClinVar variation 4525744 (VCV004525744.1).
Genomic context (GRCh38, chr11:64,809,827, plus strand): 5'-GGCTGGAGACACCCCCTTCTCGAGGATAGAGGGACAGGTCGACGGCGCCTCGGATCTGGG[CGGTGAAGCGG>C]GCATAGAGGGCGGCGATGATAGACAGGTCGGCCACGGGAAAGTAGGTGAGGCCGCCAGGC-3'

ClinVar aggregate classification (germline): Pathogenic (1 of 4 stars; one submission).

Conditions:
Multiple endocrine neoplasia, type 1 (MEN1). Also called: MEN I; WERMER SYNDROME; MEA I; Endocrine adenomatosis multiple; MEN 1. Identifiers: Orphanet 652, MedGen C0025267, MeSH D018761, MONDO:0007540, OMIM 131100.

Submission:

Women's Health and Genetics/Laboratory Corporation of America, LabCorp
Classification: Pathogenic for Multiple endocrine neoplasia, type 1. Last evaluated: 2025-07-21. Review status: criteria provided, single submitter. Criteria: LabCorp Variant Classification Summary - May 2015. Collection method: clinical testing. Allele origin: germline.
Comment: Variant summary: MEN1 c.273_282del10 (p.Arg92ProfsX24) results in a premature termination codon, predicted to cause a truncation of the encoded protein or absence of the protein due to nonsense mediated decay, which are commonly known mechanisms for disease. The variant was absent in 249660 control chromosomes. To our knowledge, no occurrence of c.273_282del10 in individuals affected with Multiple Endocrine Neoplasia Type 1 and no experimental evidence demonstrating its impact on protein function have been reported. No submitters have cited clinical-significance assessments for this variant to ClinVar. Based on the evidence outlined above, the variant was classified as pathogenic.